The following is an entry in ClinVar:

NM_025216.3(WNT10A):c.918C>G (p.Asn306Lys)

Gene: WNT10A (Wnt family member 10A; plus strand). Cytogenetic location: 2q35.
Variant type: single nucleotide variant.
Coding change: c.918C>G on transcript NM_025216.3 (MANE Select); coding-DNA position 918, C replaced by G.
Protein change: p.Asn306Lys; replaces asparagine 306 with lysine.
Molecular consequence: missense variant.
Genome position (GRCh38, 1-based): chr2:218,892,935, C>G. VCF-style: chr2-218892935-C-G. GRCh37 (hg19) VCF-style: chr2-219757657-C-G.
Other names: short protein forms N306K.
Identifiers: ClinVar variation 334409 (VCV000334409.17), dbSNP rs745513263, ClinGen allele CA2114070.
Genomic context (GRCh38, chr2:218,892,935, plus strand): 5'-GGGGGCGCTGCTGCGCAGCCGCTTCCACCGCGCCACGCTCATCCGGCCGCACAACCGCAA[C>G]GGCGGCCAGCTGGAGCCGGGCCCAGCGGGGGCACCCTCGCCGGCTCCGGGCGCTCCCGGG-3'
Protein context (NP_079492.2, residues 296-316): RATLIRPHNR[Asn306Lys]GGQLEPGPAG

ClinVar aggregate classification (germline): Likely benign. Review status: criteria provided, multiple submitters, no conflicts (2 of 4 stars). 5 submissions from 3 submitters: Likely benign (4). 1 of the submissions does not count toward it. Last evaluated 2025-11-16.

Conditions:
Odonto-onycho-dermal dysplasia. Identifiers: Orphanet 2721, MedGen C0796093, MONDO:0009773, OMIM 257980.
Tooth agenesis, selective, 4 (STHAG4). Also called: SUCCEDANEOUS TEETH, AGENESIS OF; TOOTH AGENESIS, SELECTIVE, 4, WITH OR WITHOUT ECTODERMAL DYSPLASIA; LATERAL INCISORS, ABSENCE OF; LATERAL INCISORS, PEGGED OR MISSING. Identifiers: Orphanet 99798, MedGen C1835492, MONDO:0007881, OMIM 150400. Disease mechanism: loss of function.
WNT10A-related disorder. Also called: WNT10A-related condition; WNT10A-related disorders.
Schöpf-Schulz-Passarge syndrome. Also called: SchC6pf-Schulz-Passarge syndrome; ECCRINE TUMORS WITH ECTODERMAL DYSPLASIA; KERATOSIS PALMOPLANTARIS WITH CYSTIC EYELIDS, HYPODONTIA, AND HYPOTRICHOSIS. Identifiers: Orphanet 50944, MedGen C1857069, MONDO:0009145, OMIM 224750.

Allele frequency attached by ClinVar (database versions not stated): gnomAD exomes 0.00052; gnomAD 0.00012 and 0.00014; TOPMed 0.00014.
gnomAD v4.1: 209 of 1,479,910 alleles (0.014%); highest among the groups gnomAD compares: Middle Eastern, 0.087%; 3 homozygotes.

Submissions (5):

Labcorp Genetics (formerly Invitae), Labcorp
Classification: Likely benign for Tooth agenesis, selective, 4; Odonto-onycho-dermal dysplasia. Last evaluated: 2025-11-16. Review status: criteria provided, single submitter. Criteria: Invitae Variant Classification Sherloc (09022015). Collection method: clinical testing. Allele origin: germline.

Illumina Laboratory Services, Illumina
Classification: Likely benign for Tooth agenesis, selective, 4. Last evaluated: 2018-01-12. Review status: criteria provided, single submitter. Criteria: ICSL Variant Classification Criteria 13 December 2019. Collection method: clinical testing. Allele origin: germline.
Comment: This variant was observed in the ICSL laboratory as part of a predisposition screen in an ostensibly healthy population. It had not been previously curated by ICSL or reported in the Human Gene Mutation Database (HGMD: prior to June 1st, 2018), and was therefore a candidate for classification through an automated scoring system. Utilizing variant allele frequency, disease prevalence and penetrance estimates, and inheritance mode, an automated score was calculated to assess if this variant is too frequent to cause the disease. Based on the score and internal cut-off values, a variant classified as likely benign is not then subjected to further curation. The score for this variant resulted in a classification of likely benign for this disease.

Illumina Laboratory Services, Illumina
Classification: Likely benign for Schöpf-Schulz-Passarge syndrome. Last evaluated: 2018-01-12. Review status: criteria provided, single submitter. Criteria: ICSL Variant Classification Criteria 13 December 2019. Collection method: clinical testing. Allele origin: germline.
Comment: the same text as in the submission from Illumina Laboratory Services, Illumina above.

Illumina Laboratory Services, Illumina
Classification: Likely benign for Odonto-onycho-dermal dysplasia. Last evaluated: 2018-01-12. Review status: criteria provided, single submitter. Criteria: ICSL Variant Classification Criteria 13 December 2019. Collection method: clinical testing. Allele origin: germline.
Comment: the same text as in the submission from Illumina Laboratory Services, Illumina above.

PreventionGenetics, part of Exact Sciences
Classification: Likely benign for WNT10A-related condition. Last evaluated: 2019-08-14. Review status: no assertion criteria provided. Collection method: clinical testing. Allele origin: germline. Not counted in ClinVar's aggregate classification.
Comment: This variant is classified as likely benign based on ACMG/AMP sequence variant interpretation guidelines (Richards et al. 2015 PMID: 25741868, with internal and published modifications).